The following is an entry in ClinVar:

NM_000051.4(ATM):c.3153+1G>A

Gene: ATM (ATM serine/threonine kinase; plus strand). Cytogenetic location: 11q22.3.
Variant type: single nucleotide variant.
Coding change: c.3153+1G>A on transcript NM_000051.4 (MANE Select); the canonical splice donor site of the intron after coding-DNA position 3153, G replaced by A.
Molecular consequence: splice donor variant.
Genome position (GRCh38, 1-based): chr11:108,272,608, G>A. VCF-style: chr11-108272608-G-A. GRCh37 (hg19) VCF-style: chr11-108143335-G-A.
Other names: c.3153+1G>A (NM_000051.3, NM_001351834.2).
Identifiers: ClinVar variation 1199759 (VCV001199759.12), dbSNP rs2081646501, ClinGen allele CA382515408.

ClinVar aggregate classification (germline): Likely pathogenic. Review status: criteria provided, multiple submitters, no conflicts (2 of 4 stars). 4 submissions from 4 submitters: Likely pathogenic (4). Last evaluated 2025-08-04.

Conditions:
Familial colorectal cancer type X. Identifiers: Orphanet 440437, MedGen C3896578, MONDO:0018604.
Ataxia-telangiectasia syndrome (AT). Also called: LOUIS-BAR SYNDROME; Ataxia telangiectasia (A-T); Cerebello-oculocutaneous telangiectasia; Immunodeficiency with ataxia telangiectasia; Ataxia-telangiectasia, complementation group E; Ataxia-telangiectasia, complementation group D. Identifiers: Orphanet 100, MedGen C0004135, MONDO:0008840, OMIM 208900.
Familial cancer of breast. Also called: BREAST CANCER, FAMILIAL; Hereditary breast cancer; hereditary breast carcinoma. Identifiers: Orphanet 227535, MedGen C0346153, MONDO:0016419, OMIM 114480. Disease mechanism: loss of function.

Allele frequency attached by ClinVar (database versions not stated): gnomAD exomes below 0.00001.
gnomAD v4.1: 1 of 1,613,512 alleles (0.000062%); highest among the groups gnomAD compares: Non-Finnish European, 0.000085%; no homozygotes.

Submissions (4):

Labcorp Genetics (formerly Invitae), Labcorp
Classification: Likely pathogenic for Ataxia-telangiectasia syndrome. Last evaluated: 2025-08-04. Review status: criteria provided, single submitter. Criteria: Invitae Variant Classification Sherloc (09022015). Collection method: clinical testing. Allele origin: germline.
Comment: This sequence change affects a donor splice site in intron 21 of the ATM gene. It is expected to disrupt RNA splicing. Variants that disrupt the donor or acceptor splice site typically lead to a loss of protein function (PMID: 16199547), and loss-of-function variants in ATM are known to be pathogenic (PMID: 23807571, 25614872). This variant is not present in population databases (gnomAD no frequency). Disruption of this splice site has been observed in individual(s) with breast cancer (PMID: 29665859). ClinVar contains an entry for this variant (Variation ID: 1199759). Algorithms developed to predict the effect of sequence changes on RNA splicing suggest that this variant may disrupt the consensus splice site. In summary, the currently available evidence indicates that the variant is pathogenic, but additional data are needed to prove that conclusively. Therefore, this variant has been classified as Likely Pathogenic.

Baylor Genetics
Classification: Likely pathogenic for Familial cancer of breast. Last evaluated: 2023-09-15. Review status: criteria provided, single submitter. Criteria: ACMG Guidelines, 2015. Collection method: clinical testing. Allele origin: unknown.

Department of Pathology and Laboratory Medicine, Sinai Health System
Classification: Likely pathogenic for Familial colorectal cancer type X. Last evaluated: 2023-07-11. Review status: criteria provided, single submitter. Criteria: ACMG Guidelines, 2015. Collection method: clinical testing. Allele origin: germline. Affected: yes.

GeneDx
Classification: Likely pathogenic. Last evaluated: 2021-11-01. Review status: criteria provided, single submitter. Criteria: GeneDx Variant Classification Process June 2021. Collection method: clinical testing. Allele origin: germline. Affected: yes.
Comment: Canonical splice site variant predicted to result in a null allele in a gene for which loss-of-function is a known mechanism of disease; Not observed at significant frequency in large population cohorts (Lek 2016); Has not been previously published as pathogenic or benign to our knowledge; This variant is associated with the following publications: (PMID: 29665859)

Literature cited by the submitters: PubMed 16199547 (cited by Labcorp Genetics (formerly Invitae), Labcorp); PubMed 23807571 (cited by Labcorp Genetics (formerly Invitae), Labcorp); PubMed 25614872 (cited by Labcorp Genetics (formerly Invitae), Labcorp); PubMed 29665859 (cited by Labcorp Genetics (formerly Invitae), Labcorp and Department of Pathology and Laboratory Medicine, Sinai Health System).